The following is an entry in ClinVar:

ClinVar aggregate classification (germline): Uncertain significance. Review status: criteria provided, multiple submitters, no conflicts (2 of 4 stars). 3 submissions from 3 submitters: Uncertain significance (3). Last evaluated 2025-12-05.

Conditions:
Familial temporal lobe epilepsy 5. Identifiers: MedGen C3280730, MONDO:0013741, OMIM 614417.

Allele frequency attached by ClinVar (database versions not stated): TOPMed below 0.00001; gnomAD 0.00001 and 0.00003; gnomAD exomes 0.00001 and 0.00003; ExAC 0.00002; 1000 Genomes Project 0.00020; 1000 Genomes Project 30x 0.00031.

Submissions (3):

Women's Health and Genetics/Laboratory Corporation of America, LabCorp
Classification: Uncertain significance. Last evaluated: 2025-12-05. Review status: criteria provided, single submitter. Criteria: LabCorp Variant Classification Summary - May 2015. Collection method: clinical testing. Allele origin: germline.
Comment: Variant summary: CPA6 c.466C>T (p.His156Tyr) results in a conservative amino acid change in the encoded protein sequence. Algorithms developed to predict the effect of missense changes on protein structure and function are either unavailable or do not agree on the potential impact of this missense change. The variant allele was found at a frequency of 2.9e-05 in 245350 control chromosomes. The available data on variant occurrences in the general population are insufficient to allow any conclusion about variant significance. To our knowledge, no occurrence of c.466C>T in individuals affected with CPA6-related conditions and no experimental evidence demonstrating its impact on protein function have been reported. ClinVar contains an entry for this variant (Variation ID: 911414). Based on the evidence outlined above, the variant was classified as uncertain significance.

Revvity Omics, Revvity
Classification: Uncertain significance. Last evaluated: 2021-01-06. Review status: criteria provided, single submitter. Criteria: ACMG Guidelines, 2015. Collection method: clinical testing. Allele origin: germline.

Illumina Laboratory Services, Illumina
Classification: Uncertain significance for Familial temporal lobe epilepsy 5. Last evaluated: 2018-01-12. Review status: criteria provided, single submitter. Criteria: ICSL Variant Classification Criteria 13 December 2019. Collection method: clinical testing. Allele origin: germline.

NM_020361.5(CPA6):c.466C>T (p.His156Tyr)

Gene: CPA6 (carboxypeptidase A6; minus strand). Cytogenetic location: 8q13.2.
Variant type: single nucleotide variant.
Coding change: c.466C>T on transcript NM_020361.5 (MANE Select); coding-DNA position 466, C replaced by T.
Protein change: p.His156Tyr; replaces histidine 156 with tyrosine.
Molecular consequence: missense variant.
Genome position (GRCh38, 1-based): chr8:67,509,585, G>A on the plus strand (C>T on the coding strand, the complement: CPA6 is on the minus strand). VCF-style: chr8-67509585-G-A. GRCh37 (hg19) VCF-style: chr8-68421820-G-A.
Other names: short protein forms H156Y.
Identifiers: ClinVar variation 911414 (VCV000911414.7), dbSNP rs368127412, ClinGen allele CA4772966.